The following is an entry in ClinVar:

NM_152672.6(SLC51A):c.741G>A (p.Leu247=)

Gene: SLC51A (solute carrier family 51 member A; plus strand). Cytogenetic location: 3q29.
Variant type: single nucleotide variant.
Coding change: c.741G>A on transcript NM_152672.6 (MANE Select); coding-DNA position 741, G replaced by A.
Protein change: p.Leu247=; no amino-acid change (leucine 247 retained).
Molecular consequence: synonymous variant.
Genome position (GRCh38, 1-based): chr3:196,230,022, G>A. VCF-style: chr3-196230022-G-A. GRCh37 (hg19) VCF-style: chr3-195956893-G-A.
Identifiers: ClinVar variation 3051554 (VCV003051554.2), dbSNP rs372259930, ClinGen allele CA2779200.

ClinVar aggregate classification (germline): Likely benign (0 of 4 stars; one submission).

Conditions:
SLC51A-related disorder. Also called: SLC51A-related condition.

Allele frequency attached by ClinVar (database versions not stated): gnomAD exomes 0.00001; ExAC 0.00002; gnomAD 0.00005; TOPMed 0.00005; ESP Exome Variant Server 0.00008.
gnomAD v4.1: 17 of 1,613,638 alleles (0.0011%); highest among the groups gnomAD compares: African/African-American, 0.0093%; no homozygotes.

Submission:

PreventionGenetics, part of Exact Sciences
Classification: Likely benign for SLC51A-related condition. Last evaluated: 2023-02-21. Review status: no assertion criteria provided. Collection method: clinical testing. Allele origin: germline.
Comment: This variant is classified as likely benign based on ACMG/AMP sequence variant interpretation guidelines (Richards et al. 2015 PMID: 25741868, with internal and published modifications).